The following is an entry in ClinVar:

ClinVar aggregate classification (germline): Pathogenic (1 of 4 stars; one submission).

Conditions:
Hereditary von Willebrand disease. Identifiers: Orphanet 903, MedGen C5703318, MONDO:0019565. Inheritance: Autosomal recessive or Autosomal dominant.

Submission:

Women's Health and Genetics/Laboratory Corporation of America, LabCorp
Classification: Pathogenic for von Willebrand disorder. Last evaluated: 2022-07-27. Review status: criteria provided, single submitter. Criteria: LabCorp Variant Classification Summary - May 2015. Collection method: clinical testing. Allele origin: germline.
Comment: Variant summary: The variant identified by MLPA or other technology involves the deletion of exons 33-34 in the VWF gene. A presumed nomenclature of c.(5620+1_5621-1)_(5842+1_5843-1)del has been designated for the purposes of this classification. Although exact breakpoints of this deletion are not known, it is expected to result in a large in-frame deletion change in the VWF gene, a known mechanism of disease. The variant was absent in 21694 control chromosomes (gnomAD, Structural Variants dataset). Deletion of exons 33-34 has been reported in the literature in multiple individuals affected with Von Willebrand Disease (e.g. Yadegari_2011, Veyradier_2016, Downes_2019). These data indicate that the variant is very likely to be associated with disease. A ClinVar submitter (evaluation after 2014) cites the variant as pathogenic. Based on the evidence outlined above, the variant was classified as pathogenic.

Literature cited by the submitters: PubMed 31064749; PubMed 26986123; PubMed 21410641.

NC_000012.11:g.(6105389_6120782)_(6121297_6122646)del

Gene: VWF (von Willebrand factor; minus strand). Cytogenetic location: 12p13.31.
Variant type: Deletion.
Identifiers: ClinVar variation 1704506 (VCV001704506.1).